The following is an entry in ClinVar:

NM_000051.4(ATM):c.4095_4096dup (p.Cys1366fs)

Gene: ATM (ATM serine/threonine kinase; plus strand). Cytogenetic location: 11q22.3.
Variant type: Microsatellite.
Coding change: c.4095_4096dup on transcript NM_000051.4 (MANE Select); coding-DNA positions 4095 to 4096, 2 bases duplicated (CT; older notation c.4095_4096dupCT).
Protein change: p.Cys1366fs; shifts the reading frame from cysteine 1366.
Molecular consequence: frameshift variant.
Genome position (GRCh38, 1-based): chr11:108,287,701-108,287,702, CT duplicated; duplicating any 2 consecutive bases within chr11:108,287,699-108,287,702 gives the same sequence; the c. name uses the placement nearest the transcript's 3' end. VCF-style (leftmost placement, unchanged base first): chr11-108287698-C-CCT. GRCh37 (hg19) VCF-style: chr11-108158425-C-CCT.
Other names: c.4095_4096dup, p.Cys1366fs (NM_001351834.2); short protein forms C1366fs.
Identifiers: ClinVar variation 481307 (VCV000481307.5), dbSNP rs1555096057, ClinGen allele CA658656283.
Genomic context (GRCh38, chr11:108,287,698, plus strand): 5'-GGTGGAGTTATTGATGACGTTACATGAGCCAGCAAATTCTAGTGCCAGTCAGAGCACTGA[C>CCT]CTCTGTGACTTTTCAGGGTATGTACATTTTAAACTTAGAGAACTAGCTCTAACTTCACAA-3'

ClinVar aggregate classification (germline): Pathogenic (1 of 4 stars; one submission).

Conditions:
Hereditary cancer-predisposing syndrome. Also called: Hereditary Cancer Syndrome; Neoplastic Syndromes, Hereditary; Tumor predisposition; Hereditary neoplastic syndrome. Identifiers: Orphanet 140162, MedGen C0027672, MeSH D009386, MONDO:0015356.

Submission:

Ambry Genetics
Classification: Pathogenic for Hereditary cancer-predisposing syndrome. Last evaluated: 2018-10-11. Review status: criteria provided, single submitter. Criteria: Ambry Variant Classification Scheme 2023. Collection method: clinical testing. Allele origin: germline.
Comment: The c.4095_4096dupCT pathogenic mutation, located in coding exon 26 of the ATM gene, results from a duplication of CT at nucleotide position 4095, causing a translational frameshift with a predicted alternate stop codon (p.C1366SFS*21). This alteration is expected to result in loss of function by premature protein truncation or nonsense-mediated mRNA decay. As such, this alteration is interpreted as a disease-causing mutation.